The following is an entry in ClinVar:

ClinVar aggregate classification (germline): Conflicting classifications of pathogenicity. Review status: criteria provided, conflicting classifications (1 of 4 stars). 12 submissions from 11 submitters: Uncertain significance (2); Benign (1); Likely benign (6). 3 of the submissions do not count toward it. Last evaluated 2026-08-01.

Conditions:
CEP152-related disorder. Also called: CEP152-related disorders; CEP152-related condition. Identifiers: MedGen CN239248.
Microcephaly 9, primary, autosomal recessive. Identifiers: Orphanet 2512, MedGen C3553886, MONDO:0013923, OMIM 614852.
Seckel syndrome 5 (SCKL5). Identifiers: Orphanet 808, MedGen C3151187, MONDO:0013443, OMIM 613823.

Allele frequency attached by ClinVar (database versions not stated): 1000 Genomes Project 30x 0.00094; 1000 Genomes Project 0.00120; gnomAD 0.00210 and 0.00215; TOPMed 0.00214; gnomAD exomes 0.00243 and 0.00290; ExAC 0.00247; ESP Exome Variant Server 0.00263.

Submissions (12):

CeGaT Center for Human Genetics Tuebingen
Classification: Likely benign. Last evaluated: 2026-08-01. Review status: criteria provided, single submitter. Criteria: CeGaT Center For Human Genetics Tuebingen Variant Classification Criteria Version 2. Collection method: clinical testing. Allele origin: germline. Affected: yes. Observed: 17 variant alleles.
Comment: CEP152: BP4, BS2

Labcorp Genetics (formerly Invitae), Labcorp
Classification: Benign. Last evaluated: 2026-01-29. Review status: criteria provided, single submitter. Criteria: Invitae Variant Classification Sherloc (09022015). Collection method: clinical testing. Allele origin: germline.

Blueprint Genetics
Classification: Likely benign. Last evaluated: 2024-10-25. Review status: criteria provided, single submitter. Criteria: ACMG Guidelines, 2015. Collection method: clinical testing. Allele origin: germline.

GeneDx
Classification: Likely benign. Last evaluated: 2020-03-26. Review status: criteria provided, single submitter. Criteria: GeneDx Variant Classification Process June 2021. Collection method: clinical testing. Allele origin: germline. Affected: yes.
Comment: This variant is associated with the following publications: (PMID: 25996639)

Genetic Services Laboratory, University of Chicago
Classification: Likely benign. Last evaluated: 2018-11-07. Review status: criteria provided, single submitter. Criteria: ACMG Guidelines, 2015. Collection method: clinical testing. Allele origin: germline. Affected: no.

Eurofins Ntd Llc (ga)
Classification: Likely benign. Last evaluated: 2018-06-15. Review status: criteria provided, single submitter. Criteria: EGL ClinVar v180209 classification definitions. Collection method: clinical testing. Allele origin: germline. Observed: 2 variant alleles, 2 heterozygotes.

Illumina Laboratory Services, Illumina
Classification: Likely benign for Seckel syndrome 5. Last evaluated: 2018-01-13. Review status: criteria provided, single submitter. Criteria: ICSL Variant Classification Criteria 13 December 2019. Collection method: clinical testing. Allele origin: germline.
Comment: This variant was observed in the ICSL laboratory as part of a predisposition screen in an ostensibly healthy population. It had not been previously curated by ICSL or reported in the Human Gene Mutation Database (HGMD: prior to June 1st, 2018), and was therefore a candidate for classification through an automated scoring system. Utilizing variant allele frequency, disease prevalence and penetrance estimates, and inheritance mode, an automated score was calculated to assess if this variant is too frequent to cause the disease. Based on the score and internal cut-off values, a variant classified as likely benign is not then subjected to further curation. The score for this variant resulted in a classification of likely benign for this disease.

Illumina Laboratory Services, Illumina
Classification: Uncertain significance for Microcephaly 9, primary, autosomal recessive. Last evaluated: 2018-01-13. Review status: criteria provided, single submitter. Criteria: ICSL Variant Classification Criteria 13 December 2019. Collection method: clinical testing. Allele origin: germline.

Center for Pediatric Genomic Medicine, Children's Mercy Hospital and Clinics
Classification: Uncertain significance. Last evaluated: 2016-05-19. Review status: criteria provided, single submitter. Criteria: ACMG Guidelines, 2015. Collection method: clinical testing. Allele origin: germline.
ClinVar note: Converted during submission from Uncertain Significance to Uncertain significance.

PreventionGenetics, part of Exact Sciences
Classification: Likely benign for CEP152-related condition. Last evaluated: 2020-11-02. Review status: no assertion criteria provided. Collection method: clinical testing. Allele origin: germline. Not counted in ClinVar's aggregate classification.
Comment: This variant is classified as likely benign based on ACMG/AMP sequence variant interpretation guidelines (Richards et al. 2015 PMID: 25741868, with internal and published modifications).

Clinical Genetics DNA and cytogenetics Diagnostics Lab, Erasmus MC, Erasmus Medical Center
Classification: Likely benign. Review status: no assertion criteria provided. Collection method: clinical testing. Allele origin: germline. Affected: yes. Study: VKGL Data-share Consensus. Not counted in ClinVar's aggregate classification.

Laboratory of Diagnostic Genome Analysis, Leiden University Medical Center (LUMC)
Classification: Likely benign. Review status: no assertion criteria provided. Collection method: clinical testing. Allele origin: germline. Affected: yes. Study: VKGL Data-share Consensus. Not counted in ClinVar's aggregate classification.

NM_001194998.2(CEP152):c.1180A>G (p.Ile394Val)

Gene: CEP152 (centrosomal protein 152; minus strand). Cytogenetic location: 15q21.1.
Variant type: single nucleotide variant.
Coding change: c.1180A>G on transcript NM_001194998.2 (MANE Select); coding-DNA position 1180, A replaced by G.
Protein change: p.Ile394Val; replaces isoleucine 394 with valine.
Molecular consequence: missense variant.
Genome position (GRCh38, 1-based): chr15:48,784,114, T>C on the plus strand (A>G on the coding strand, the complement: CEP152 is on the minus strand). VCF-style: chr15-48784114-T-C. GRCh37 (hg19) VCF-style: chr15-49076311-T-C.
Other names: c.1180A>G (NM_001194998.1); c.1180A>G, p.Ile394Val (NM_014985.4); short protein forms I394V.
Identifiers: ClinVar variation 158224 (VCV000158224.67), dbSNP rs181295720, ClinGen allele CA210995.